The following is an entry in ClinVar:

NC_000023.10:g.(?_31676087)_(31747885_?)dup

Gene: DMD (dystrophin; minus strand). Cytogenetic location: Xp21.1.
Variant type: Duplication.
Identifiers: ClinVar variation 584141 (VCV000584141.1).

ClinVar aggregate classification (germline): Likely pathogenic (1 of 4 stars; one submission).

Conditions:
Duchenne muscular dystrophy (DMD). Also called: MUSCULAR DYSTROPHY, PSEUDOHYPERTROPHIC PROGRESSIVE, DUCHENNE TYPE; Duchenne Muscular Dystrophy (DMD). Identifiers: Orphanet 98896, MedGen C0013264, MONDO:0010679, OMIM 310200.

Submission:

Labcorp Genetics (formerly Invitae), Labcorp
Classification: Likely pathogenic for Duchenne muscular dystrophy. Last evaluated: 2018-04-16. Review status: criteria provided, single submitter. Criteria: Invitae Variant Classification Sherloc (09022015). Collection method: clinical testing. Allele origin: germline.
Comment: This variant results in a copy number gain of the genomic region encompassing exons 52-54 of the DMD gene. While the exact position of this variant cannot be determined from this data, sub-genic copy number gains are generally in tandem (PMID: 25640679) and may result in an absent or disrupted protein product. This variant has not been reported in the literature in individuals with DMD-related disease. Loss-of-function variants in DMD are known to be pathogenic (PMID: 16770791, 25007885). In summary, the currently available evidence indicates that the variant is pathogenic, but additional data are needed to prove that conclusively. Therefore, this variant has been classified as Likely Pathogenic.